The following is an entry in ClinVar:

ClinVar aggregate classification (germline): Likely benign (0 of 4 stars; one submission).

Conditions:
ARGLU1-related disorder. Also called: ARGLU1-related condition.

Allele frequency attached by ClinVar (database versions not stated): gnomAD exomes 0.00006; ExAC 0.00010; 1000 Genomes Project 30x 0.00031; TOPMed 0.00036; gnomAD 0.00037; 1000 Genomes Project 0.00040; ESP Exome Variant Server 0.00043.
gnomAD v4.1: 146 of 1,582,790 alleles (0.0092%); highest among the groups gnomAD compares: African/African-American, 0.097%; 1 homozygote.

Submission:

PreventionGenetics, part of Exact Sciences
Classification: Likely benign for ARGLU1-related condition. Last evaluated: 2019-08-12. Review status: no assertion criteria provided. Collection method: clinical testing. Allele origin: germline.
Comment: This variant is classified as likely benign based on ACMG/AMP sequence variant interpretation guidelines (Richards et al. 2015 PMID: 25741868, with internal and published modifications).

NM_018011.4(ARGLU1):c.822A>G (p.Ter274=)

Gene: ARGLU1 (arginine and glutamate rich 1; minus strand). Cytogenetic location: 13q33.3.
Variant type: single nucleotide variant.
Coding change: c.822A>G on transcript NM_018011.4 (MANE Select); coding-DNA position 822, A replaced by G.
Protein change: p.Ter274=.
Molecular consequence: synonymous variant.
Genome position (GRCh38, 1-based): chr13:106,543,996, T>C on the plus strand (A>G on the coding strand, the complement: ARGLU1 is on the minus strand). VCF-style: chr13-106543996-T-C. GRCh37 (hg19) VCF-style: chr13-107196344-T-C.
Identifiers: ClinVar variation 3034677 (VCV003034677.2), dbSNP rs200630944, ClinGen allele CA7042862.